The following is an entry in ClinVar:

NM_021930.6(RINT1):c.443T>C (p.Met148Thr)

Gene: RINT1 (RAD50 interactor 1; plus strand). Cytogenetic location: 7q22.3.
Variant type: single nucleotide variant.
Coding change: c.443T>C on transcript NM_021930.6 (MANE Select); coding-DNA position 443, T replaced by C.
Protein change: p.Met148Thr; replaces methionine 148 with threonine.
Molecular consequence: missense variant. On other transcripts: 5 prime UTR variant (3), non-coding transcript variant (1).
Genome position (GRCh38, 1-based): chr7:105,542,577, T>C. VCF-style: chr7-105542577-T-C. GRCh37 (hg19) VCF-style: chr7-105183024-T-C.
Other names: c.209T>C, p.Met70Thr (NM_001346599.2); c.-577T>C (NM_001346600.2); c.-480T>C (NM_001346601.2); c.-100T>C (NM_001346603.2); short protein forms M70T, M148T.
Identifiers: ClinVar variation 1490344 (VCV001490344.12), dbSNP rs1220794918, ClinGen allele CA368803679.

ClinVar aggregate classification (germline): Uncertain significance. Review status: criteria provided, multiple submitters, no conflicts (2 of 4 stars). 2 submissions from 2 submitters: Uncertain significance (2). Last evaluated 2025-05-21.

Allele frequency attached by ClinVar (database versions not stated): gnomAD exomes below 0.00001; TOPMed 0.00001.

Submissions (2):

Ambry Genetics
Classification: Uncertain significance. Last evaluated: 2025-05-21. Review status: criteria provided, single submitter. Criteria: Ambry Variant Classification Scheme 2023. Collection method: clinical testing. Allele origin: germline.

Labcorp Genetics (formerly Invitae), Labcorp
Classification: Uncertain significance. Last evaluated: 2022-08-16. Review status: criteria provided, single submitter. Criteria: Invitae Variant Classification Sherloc (09022015). Collection method: clinical testing. Allele origin: germline.
Comment: In summary, the available evidence is currently insufficient to determine the role of this variant in disease. Therefore, it has been classified as a Variant of Uncertain Significance. Algorithms developed to predict the effect of missense changes on protein structure and function (SIFT, PolyPhen-2, Align-GVGD) all suggest that this variant is likely to be tolerated. ClinVar contains an entry for this variant (Variation ID: 1490344). This variant has not been reported in the literature in individuals affected with RINT1-related conditions. This variant is not present in population databases (gnomAD no frequency). This sequence change replaces methionine, which is neutral and non-polar, with threonine, which is neutral and polar, at codon 148 of the RINT1 protein (p.Met148Thr).